The following is an entry in ClinVar:

NM_000059.4(BRCA2):c.4085del (p.His1362fs)

Gene: BRCA2 (BRCA2 DNA repair associated; plus strand). Cytogenetic location: 13q13.1.
Variant type: Deletion.
Coding change: c.4085del on transcript NM_000059.4 (MANE Select); coding-DNA position 4085, one base deleted (A; older notation c.4085delA).
Protein change: p.His1362fs; shifts the reading frame from histidine 1362.
Molecular consequence: frameshift variant.
Genome position (GRCh38, 1-based): chr13:32,338,440, A deleted. VCF-style (leftmost placement, unchanged base first): chr13-32338439-CA-C. GRCh37 (hg19) VCF-style: chr13-32912576-CA-C.
Other names: 4313delA; c.4085delA (NM_000059.3); short protein forms H1362fs.
Identifiers: ClinVar variation 96802 (VCV000096802.10), dbSNP rs431825315, ClinGen allele CA019488.

ClinVar aggregate classification (germline): Pathogenic. Review status: reviewed by expert panel (3 of 4 stars). 5 submissions from 5 submitters: Pathogenic (1). 4 of the submissions do not count toward it. Last evaluated 2016-09-08.

Conditions:
Hereditary cancer-predisposing syndrome. Also called: Hereditary Cancer Syndrome; Neoplastic Syndromes, Hereditary; Hereditary neoplastic syndrome; Tumor predisposition. Identifiers: Orphanet 140162, MedGen C0027672, MeSH D009386, MONDO:0015356.
Hereditary breast ovarian cancer syndrome. Also called: Breast and ovarian cancer; Hereditary breast and/or ovarian cancer syndrome; Hereditary breast and ovarian cancer; Hereditary breast and ovarian cancer syndrome; Hereditary breast and ovarian cancer syndrome (HBOC); BRCA1- and BRCA2-Associated Hereditary Breast and Ovarian Cancer. Identifiers: Orphanet 145, MedGen C0677776, MeSH D061325, MONDO:0003582. Disease mechanism: loss of function.
Breast-ovarian cancer, familial, susceptibility to, 2 (BROVCA2). Also called: BRCA2 Hereditary Breast and Ovarian Cancer. Identifiers: Orphanet 145, MedGen C2675520, MONDO:0012933, OMIM 612555. Disease mechanism: loss of function.

Allele frequency attached by ClinVar (database versions not stated): gnomAD exomes below 0.00001.

Submissions (5):

Evidence-based Network for the Interpretation of Germline Mutant Alleles (ENIGMA)
Classification: Pathogenic for Breast-ovarian cancer, familial, susceptibility to, 2. Last evaluated: 2016-09-08. Review status: reviewed by expert panel. Criteria: ENIGMA BRCA1/2 Classification Criteria (2015). Collection method: curation. Allele origin: germline.
Comment: Variant allele predicted to encode a truncated non-functional protein.

Ambry Genetics
Classification: Pathogenic for Hereditary cancer-predisposing syndrome. Last evaluated: 2025-04-07. Review status: criteria provided, single submitter. Criteria: Ambry Variant Classification Scheme 2023. Collection method: clinical testing. Allele origin: germline. Not counted in ClinVar's aggregate classification.
Comment: The c.4085delA pathogenic mutation, located in coding exon 10 of the BRCA2 gene, results from a deletion of one nucleotide at nucleotide position 4085, causing a translational frameshift with a predicted alternate stop codon (p.H1362Pfs*12). This variant is considered to be rare based on population cohorts in the Genome Aggregation Database (gnomAD). This alteration is expected to result in loss of function by premature protein truncation or nonsense-mediated mRNA decay. As such, this alteration is interpreted as a disease-causing mutation.

ARUP Laboratories, Molecular Genetics and Genomics, ARUP Laboratories
Classification: Pathogenic. Last evaluated: 2024-10-01. Review status: criteria provided, single submitter. Criteria: ARUP Molecular Germline Variant Investigation Process 2024. Collection method: clinical testing. Allele origin: germline. Not counted in ClinVar's aggregate classification.
Comment: The BRCA2 c.4085del; p.His1362ProfsTer12 variant (rs431825315, ClinVar Variation ID 96802) is reported in one individual with breast cancer (Ueda 2019). This variant is absent from the Genome Aggregation Database (v2.1.1), indicating it is not a common polymorphism. This variant causes a frameshift by deleting a single nucleotide, so it is predicted to result in a truncated protein or mRNA subject to nonsense-mediated decay. Based on available information, this variant is considered to be pathogenic. References: Ueda M et al. Challenges in Managing Patients with Hereditary Cancer at Gynecological Services. Obstet Gynecol Int. 2019 PMID: 31263500.

Labcorp Genetics (formerly Invitae), Labcorp
Classification: Pathogenic for Hereditary breast ovarian cancer syndrome. Last evaluated: 2022-07-26. Review status: criteria provided, single submitter. Criteria: Invitae Variant Classification Sherloc (09022015). Collection method: clinical testing. Allele origin: germline. Not counted in ClinVar's aggregate classification.
Comment: This variant is not present in population databases (gnomAD no frequency). This sequence change creates a premature translational stop signal (p.His1362Profs*12) in the BRCA2 gene. It is expected to result in an absent or disrupted protein product. Loss-of-function variants in BRCA2 are known to be pathogenic (PMID: 20104584). This variant has not been reported in the literature in individuals affected with BRCA2-related conditions. For these reasons, this variant has been classified as Pathogenic. ClinVar contains an entry for this variant (Variation ID: 96802).

Sharing Clinical Reports Project (SCRP)
Classification: Pathogenic for Breast-ovarian cancer, familial 2. Last evaluated: 2012-05-01. Review status: no assertion criteria provided. Collection method: clinical testing. Allele origin: germline. Not counted in ClinVar's aggregate classification.

Literature cited by the submitters: PubMed 20104584 (cited by Labcorp Genetics (formerly Invitae), Labcorp).